The following is an entry in ClinVar:

NM_000485.3(APRT):c.108del (p.Ala37fs)

Gene: APRT (adenine phosphoribosyltransferase; minus strand). Cytogenetic location: 16q24.3.
Variant type: Deletion.
Coding change: c.108del on transcript NM_000485.3 (MANE Select); coding-DNA position 108, one base deleted (C; older notation c.108delC).
Protein change: p.Ala37fs; shifts the reading frame from alanine 37.
Molecular consequence: frameshift variant.
Genome position (GRCh38, 1-based): chr16:88,811,629, G deleted on the plus strand (C on the coding strand, the reverse complement: APRT is on the minus strand); the first of 4 consecutive G bases (chr16:88,811,629-88,811,632); deleting any one gives the same sequence. VCF-style (leftmost placement, unchanged base first): chr16-88811628-CG-C. GRCh37 (hg19) VCF-style: chr16-88878036-CG-C.
Other names: c.108del, p.Ala37fs (NM_001030018.2); short protein forms A37fs.
Identifiers: ClinVar variation 3021749 (VCV003021749.3), dbSNP rs1909145179, ClinGen allele CA2241309114.

ClinVar aggregate classification (germline): Pathogenic (1 of 4 stars; one submission).

Submission:

Labcorp Genetics (formerly Invitae), Labcorp
Classification: Pathogenic. Last evaluated: 2023-03-08. Review status: criteria provided, single submitter. Criteria: Invitae Variant Classification Sherloc (09022015). Collection method: clinical testing. Allele origin: germline.
Comment: For these reasons, this variant has been classified as Pathogenic. This variant has not been reported in the literature in individuals affected with APRT-related conditions. This variant is not present in population databases (gnomAD no frequency). This sequence change creates a premature translational stop signal (p.Ala37Profs*14) in the APRT gene. It is expected to result in an absent or disrupted protein product. Loss-of-function variants in APRT are known to be pathogenic (PMID: 7685481, 20150536, 28717278).

Literature cited by the submitters: PubMed 7685481; PubMed 20150536; PubMed 28717278.